The following is an entry in ClinVar:

NM_002221.4(ITPKB):c.1411C>G (p.Pro471Ala)

Gene: ITPKB (inositol-trisphosphate 3-kinase B; minus strand). Cytogenetic location: 1q42.12.
Variant type: single nucleotide variant.
Coding change: c.1411C>G on transcript NM_002221.4 (MANE Select); coding-DNA position 1411, C replaced by G.
Protein change: p.Pro471Ala; replaces proline 471 with alanine.
Molecular consequence: missense variant.
Genome position (GRCh38, 1-based): chr1:226,736,048, G>C on the plus strand (C>G on the coding strand, the complement: ITPKB is on the minus strand). VCF-style: chr1-226736048-G-C. GRCh37 (hg19) VCF-style: chr1-226923749-G-C.
Other names: c.1411C>G, p.Pro471Ala (NM_001388404.1); short protein forms P471A.
Identifiers: ClinVar variation 4981227 (VCV004981227.1).
Genomic context (GRCh38, chr1:226,736,048, plus strand): 5'-GTTCTTTCAGATCTTTCGCAGCGTCCCAACAGGGCAAAGGCTCCAGCATTCTGCCAGAAG[G>C]AATTCCCGCCTCCACATTCCCGGTCCCCGGCTGTGCTGAGGGGCTGCCCCCAAGCAAGCC-3'
Protein context (NP_002212.3, residues 461-481): PGTGNVEAGI[Pro471Ala]SGRMLEPLPC

ClinVar aggregate classification (germline): Uncertain significance (1 of 4 stars; one submission).

Conditions:
ITPKB-related disorder. Also called: ITPKB-related condition.

gnomAD v4.1: 389 of 1,613,334 alleles (0.024%); highest among the groups gnomAD compares: Non-Finnish European, 0.032%; no homozygotes.

Submission:

PreventionGenetics, part of Exact Sciences
Classification: Uncertain significance for ITPKB-related condition. Last evaluated: 2026-06-21. Review status: criteria provided, single submitter. Criteria: ACMG Guidelines, 2015. Collection method: clinical testing. Allele origin: germline.
Comment: The ITPKB c.1411C>G variant is predicted to result in the amino acid substitution p.Pro471Ala. To our knowledge, this variant has not been reported in the literature. This variant is reported in 0.023% of alleles in individuals of European (Non-Finnish) descent in gnomAD. At this time, the clinical significance of this variant is uncertain due to the absence of conclusive functional and genetic evidence.